The following is an entry in ClinVar:

NM_025179.4(PLXNA2):c.5113C>T (p.Arg1705Trp)

Gene: PLXNA2 (plexin A2; minus strand). Cytogenetic location: 1q32.2.
Variant type: single nucleotide variant.
Coding change: c.5113C>T on transcript NM_025179.4 (MANE Select); coding-DNA position 5113, C replaced by T.
Protein change: p.Arg1705Trp; replaces arginine 1705 with tryptophan.
Molecular consequence: missense variant.
Genome position (GRCh38, 1-based): chr1:208,031,702, G>A on the plus strand (C>T on the coding strand, the complement: PLXNA2 is on the minus strand). VCF-style: chr1-208031702-G-A. GRCh37 (hg19) VCF-style: chr1-208205047-G-A.
Other names: short protein forms R1705W.
Identifiers: ClinVar variation 1930439 (VCV001930439.5), dbSNP rs769539300, ClinGen allele CA1372656.

ClinVar aggregate classification (germline): Uncertain significance (1 of 4 stars; one submission).

Allele frequency attached by ClinVar (database versions not stated): gnomAD 0.00001; ExAC 0.00002.
gnomAD v4.1: 10 of 1,613,210 alleles (0.00062%); highest among the groups gnomAD compares: South Asian, 0.0055%; no homozygotes.

Submission:

Labcorp Genetics (formerly Invitae), Labcorp
Classification: Uncertain significance. Last evaluated: 2024-12-09. Review status: criteria provided, single submitter. Criteria: Invitae Variant Classification Sherloc (09022015). Collection method: clinical testing. Allele origin: germline.
Comment: This sequence change replaces arginine, which is basic and polar, with tryptophan, which is neutral and slightly polar, at codon 1705 of the PLXNA2 protein (p.Arg1705Trp). This variant is present in population databases (rs769539300, gnomAD 0.01%). This variant has not been reported in the literature in individuals affected with PLXNA2-related conditions. ClinVar contains an entry for this variant (Variation ID: 1930439). An algorithm developed to predict the effect of missense changes on protein structure and function (PolyPhen-2) suggests that this variant is likely to be disruptive. In summary, the available evidence is currently insufficient to determine the role of this variant in disease. Therefore, it has been classified as a Variant of Uncertain Significance.